The following is an entry in ClinVar:

ClinVar aggregate classification (germline): Conflicting classifications of pathogenicity. Review status: criteria provided, conflicting classifications (1 of 4 stars). 2 submissions from 2 submitters: Uncertain significance (1); Likely benign (1). Last evaluated 2025-11-23.

Conditions:
Mitochondrial complex II deficiency, nuclear type 1. Also called: SUCCINATE CoQ REDUCTASE DEFICIENCY. Identifiers: Orphanet 3208, MedGen C5700310, MONDO:0100294, OMIM 252011.
Pheochromocytoma/paraganglioma syndrome 5. Also called: Paragangliomas 5; SDHA-Related Hereditary Paraganglioma-Pheochromocytoma Syndrome. Identifiers: Orphanet 29072, MedGen C3279992, MONDO:0013602, OMIM 614165.
Hereditary cancer-predisposing syndrome. Also called: Neoplastic Syndromes, Hereditary; Tumor predisposition; Hereditary neoplastic syndrome; Hereditary Cancer Syndrome. Identifiers: Orphanet 140162, MedGen C0027672, MeSH D009386, MONDO:0015356.

Allele frequency attached by ClinVar (database versions not stated): TOPMed below 0.00001; ExAC 0.00001; gnomAD 0.00001; gnomAD exomes 0.00001.
gnomAD v4.1: 5 of 1,613,554 alleles (0.00031%); highest among the groups gnomAD compares: Admixed American, 0.005%; no homozygotes.

Submissions (2):

Labcorp Genetics (formerly Invitae), Labcorp
Classification: Uncertain significance for Pheochromocytoma/paraganglioma syndrome 5; Mitochondrial complex II deficiency, nuclear type 1. Last evaluated: 2025-11-23. Review status: criteria provided, single submitter. Criteria: Invitae Variant Classification Sherloc (09022015). Collection method: clinical testing. Allele origin: germline.
Comment: This sequence change replaces arginine, which is basic and polar, with lysine, which is basic and polar, at codon 42 of the SDHA protein (p.Arg42Lys). This variant is present in population databases (rs747557411, gnomAD 0.006%). This variant has not been reported in the literature in individuals affected with SDHA-related conditions. ClinVar contains an entry for this variant (Variation ID: 539675). Invitae Evidence Modeling of protein sequence and biophysical properties (such as structural, functional, and spatial information, amino acid conservation, physicochemical variation, residue mobility, and thermodynamic stability) indicates that this missense variant is not expected to disrupt SDHA protein function with a negative predictive value of 95%. In summary, the available evidence is currently insufficient to determine the role of this variant in disease. Therefore, it has been classified as a Variant of Uncertain Significance.

Ambry Genetics
Classification: Likely benign for Hereditary cancer-predisposing syndrome. Last evaluated: 2024-10-29. Review status: criteria provided, single submitter. Criteria: Ambry Variant Classification Scheme 2023. Collection method: clinical testing. Allele origin: germline.

NM_004168.4(SDHA):c.125G>A (p.Arg42Lys)

Gene: SDHA (succinate dehydrogenase complex flavoprotein subunit A; plus strand). Cytogenetic location: 5p15.33.
Variant type: single nucleotide variant.
Coding change: c.125G>A on transcript NM_004168.4 (MANE Select); coding-DNA position 125, G replaced by A.
Protein change: p.Arg42Lys; replaces arginine 42 with lysine.
Molecular consequence: missense variant.
Genome position (GRCh38, 1-based): chr5:223,543, G>A. VCF-style: chr5-223543-G-A. GRCh37 (hg19) VCF-style: chr5-223658-G-A.
Other names: c.125G>A, p.Arg42Lys (NM_001294332.2, NM_001330758.2); short protein forms R42K.
Identifiers: ClinVar variation 539675 (VCV000539675.10), dbSNP rs747557411, ClinGen allele CA3172721.